The following is an entry in ClinVar:

ClinVar aggregate classification (germline): Uncertain significance. Review status: criteria provided, multiple submitters, no conflicts (2 of 4 stars). 5 submissions from 5 submitters: Uncertain significance (4). 1 of the submissions does not count toward it. Last evaluated 2025-10-13.

Conditions:
Hereditary cancer-predisposing syndrome. Also called: Neoplastic Syndromes, Hereditary; Hereditary neoplastic syndrome; Tumor predisposition; Hereditary Cancer Syndrome. Identifiers: Orphanet 140162, MedGen C0027672, MeSH D009386, MONDO:0015356.
Ataxia-telangiectasia syndrome (AT). Also called: Ataxia telangiectasia (A-T); Cerebello-oculocutaneous telangiectasia; Immunodeficiency with ataxia telangiectasia; LOUIS-BAR SYNDROME; AT, COMPLEMENTATION GROUP C; ATAXIA-TELANGIECTASIA, FRESNO VARIANT. Identifiers: Orphanet 100, MedGen C0004135, MONDO:0008840, OMIM 208900.

Allele frequency attached by ClinVar (database versions not stated): ESP Exome Variant Server 0.00008; gnomAD exomes below 0.00001.
gnomAD v4.1: 1 of 1,614,034 alleles (0.000062%); highest among the groups gnomAD compares: Non-Finnish European, 0.000085%; no homozygotes.

Submissions (5):

Labcorp Genetics (formerly Invitae), Labcorp
Classification: Uncertain significance for Ataxia-telangiectasia syndrome. Last evaluated: 2025-10-13. Review status: criteria provided, single submitter. Criteria: Invitae Variant Classification Sherloc (09022015). Collection method: clinical testing. Allele origin: germline.
Comment: This sequence change replaces alanine, which is neutral and non-polar, with threonine, which is neutral and polar, at codon 2346 of the ATM protein (p.Ala2346Thr). This variant is not present in population databases (gnomAD no frequency). This variant has not been reported in the literature in individuals affected with ATM-related conditions. ClinVar contains an entry for this variant (Variation ID: 220756). Invitae Evidence Modeling of protein sequence and biophysical properties (such as structural, functional, and spatial information, amino acid conservation, physicochemical variation, residue mobility, and thermodynamic stability) has been performed for this missense variant. However, the output from this modeling did not meet the statistical confidence thresholds required to predict the impact of this variant on ATM protein function. In summary, the available evidence is currently insufficient to determine the role of this variant in disease. Therefore, it has been classified as a Variant of Uncertain Significance.

Ambry Genetics
Classification: Uncertain significance for Hereditary cancer-predisposing syndrome. Last evaluated: 2024-01-09. Review status: criteria provided, single submitter. Criteria: Ambry Variant Classification Scheme 2023. Collection method: clinical testing. Allele origin: germline.
Comment: The p.A2346T variant (also known as c.7036G>A), located in coding exon 47 of the ATM gene, results from a G to A substitution at nucleotide position 7036. The alanine at codon 2346 is replaced by threonine, an amino acid with similar properties. This amino acid position is highly conserved in available vertebrate species. In addition, this alteration is predicted to be deleterious by in silico analysis. Since supporting evidence is limited at this time, the clinical significance of this alteration remains unclear.

GeneDx
Classification: Uncertain significance. Last evaluated: 2023-11-14. Review status: criteria provided, single submitter. Criteria: GeneDx Variant Classification Process June 2021. Collection method: clinical testing. Allele origin: germline. Affected: yes.
Comment: Not observed at significant frequency in large population cohorts (gnomAD); In silico analysis supports that this missense variant has a deleterious effect on protein structure/function; Has not been previously published as pathogenic or benign to our knowledge

Color Diagnostics, LLC DBA Color Health
Classification: Uncertain significance for Hereditary cancer-predisposing syndrome. Last evaluated: 2022-11-22. Review status: criteria provided, single submitter. Criteria: ACMG Guidelines, 2015. Collection method: clinical testing. Allele origin: germline.
Comment: This missense variant replaces alanine with threonine at codon 2346 of the ATM protein. Computational prediction suggests that this variant may have deleterious impact on protein structure and function (internally defined REVEL score threshold >= 0.7, PMID: 27666373). To our knowledge, functional studies have not been reported for this variant. This variant has not been reported in individuals affected with ATM-related disorders in the literature. This variant has been identified in 1/251070 chromosomes in the general population by the Genome Aggregation Database (gnomAD). The available evidence is insufficient to determine the role of this variant in disease conclusively. Therefore, this variant is classified as a Variant of Uncertain Significance.

Natera, Inc.
Classification: Uncertain significance for Ataxia-telangiectasia. Last evaluated: 2020-09-16. Review status: no assertion criteria provided. Collection method: clinical testing. Allele origin: germline. Not counted in ClinVar's aggregate classification.

NM_000051.4(ATM):c.7036G>A (p.Ala2346Thr)

Genes: ATM (ATM serine/threonine kinase; plus strand), C11orf65 (chromosome 11 open reading frame 65; minus strand). Cytogenetic location: 11q22.3.
Variant type: single nucleotide variant.
Coding change: c.7036G>A on transcript NM_000051.4 (MANE Select); coding-DNA position 7036, G replaced by A.
Protein change: p.Ala2346Thr; replaces alanine 2346 with threonine.
Molecular consequence: missense variant. On other transcripts: intron variant (2).
Genome position (GRCh38, 1-based): chr11:108,327,705, G>A. VCF-style: chr11-108327705-G-A. GRCh37 (hg19) VCF-style: chr11-108198432-G-A.
Other names: c.7036G>A, p.Ala2346Thr (NM_001351834.2); c.641-18634C>T (NM_001330368.2); c.*38+7515C>T (NM_001351110.2); short protein forms A2346T.
Identifiers: ClinVar variation 220756 (VCV000220756.17), dbSNP rs144497088, ClinGen allele CA349056.
Genomic context (GRCh38, chr11:108,327,705, plus strand): 5'-AACAATCCCAGCCTAAAACTTACATACACAGAATGTCTGAGGGTTTGTGGCAACTGGTTA[G>A]CAGAAACGTGCTTAGAAAATCCTGCGGTCATCATGCAGACCTATCTAGAAAAGGTAAGAT-3'
Protein context (NP_000042.3, residues 2336-2356): ECLRVCGNWL[Ala2346Thr]ETCLENPAVI